The following is an entry in ClinVar:

ClinVar aggregate classification (germline): Uncertain significance (1 of 4 stars; one submission).

Submission:

Ambry Genetics
Classification: Uncertain significance. Last evaluated: 2023-09-09. Review status: criteria provided, single submitter. Criteria: Ambry Variant Classification Scheme 2023. Collection method: clinical testing. Allele origin: germline.
Comment: The p.E168Q variant (also known as c.502G>C), located in coding exon 1 of the TERF2IP gene, results from a G to C substitution at nucleotide position 502. The glutamic acid at codon 168 is replaced by glutamine, an amino acid with highly similar properties. This amino acid position is conserved. In addition, this alteration is predicted to be tolerated by in silico analysis. Since supporting evidence is limited at this time, the clinical significance of this alteration remains unclear.

NM_018975.4(TERF2IP):c.502G>C (p.Glu168Gln)

Gene: TERF2IP (TERF2 interacting protein; plus strand). Cytogenetic location: 16q23.1.
Variant type: single nucleotide variant.
Coding change: c.502G>C on transcript NM_018975.4 (MANE Select); coding-DNA position 502, G replaced by C.
Protein change: p.Glu168Gln; replaces glutamic acid 168 with glutamine.
Molecular consequence: missense variant. On other transcripts: non-coding transcript variant (1).
Genome position (GRCh38, 1-based): chr16:75,648,384, G>C. VCF-style: chr16-75648384-G-C. GRCh37 (hg19) VCF-style: chr16-75682282-G-C.
Other names: short protein forms E168Q.
Identifiers: ClinVar variation 2625599 (VCV002625599.2), dbSNP rs2507074526, ClinGen allele CA396818039.